The following is an entry in ClinVar:

ClinVar aggregate classification (germline): Uncertain significance. Review status: criteria provided, multiple submitters, no conflicts (2 of 4 stars). 2 submissions from 2 submitters: Uncertain significance (2). Last evaluated 2026-09-11.

Conditions:
Osteogenesis imperfecta type I (OI1). Also called: Lobstein disease; OI, TYPE I; OSTEOGENESIS IMPERFECTA TARDA; OSTEOGENESIS IMPERFECTA WITH BLUE SCLERAE; Osteogenesis imperfecta type 1; Lobstein's Disease. Identifiers: Orphanet 216796, Orphanet 666, MedGen C0023931, MONDO:0008146, OMIM 166200. Disease mechanism: loss of function.
Cardiovascular phenotype. Identifiers: MedGen CN230736.

gnomAD v4.1: 1 of 1,614,012 alleles (0.000062%); no homozygotes.

Submissions (2):

Ambry Genetics
Classification: Uncertain significance for Cardiovascular phenotype. Last evaluated: 2026-09-11. Review status: criteria provided, single submitter. Criteria: Ambry Variant Classification Scheme 2023. Collection method: clinical testing. Allele origin: germline.
Comment: The p.P739A variant (also known as c.2215C>G), located in coding exon 32 of the COL1A1 gene, results from a C to G substitution at nucleotide position 2215. The proline at codon 739 is replaced by alanine, an amino acid with highly similar properties. This amino acid position is highly conserved in available vertebrate species. In addition, this alteration is predicted to be deleterious by in silico analysis. Based on the available evidence, the clinical significance of this variant remains unclear.

Johns Hopkins Genomics, Johns Hopkins University
Classification: Uncertain significance for Osteogenesis imperfecta type I. Last evaluated: 2019-10-18. Review status: criteria provided, single submitter. Criteria: ACMG Guidelines, 2015. Collection method: clinical testing. Allele origin: germline.
Comment: This COL1A1 variant is absent from a large population dataset and has not been reported in ClinVar nor the literature, to our knowledge. This variant is located within major ligand binding region (MLBR) 2, which includes sites that are important for collagen self-assembly, cleavage, and binding. While glycine substitutions located within an MLBR are commonly reported as damaging, the effect of a proline substitution within one of these regions is unclear. Of three bioinformatics tools queried, two predict that the substitution would be damaging, while the third predicts that it would be tolerated. The proline residue at this position is evolutionarily conserved across all species assessed. Due to insufficient evidence, we consider the clinical significance of c.2215C>G to be uncertain at this time.

NM_000088.4(COL1A1):c.2215C>G (p.Pro739Ala)

Gene: COL1A1 (collagen type I alpha 1 chain; minus strand). Cytogenetic location: 17q21.33.
Variant type: single nucleotide variant.
Coding change: c.2215C>G on transcript NM_000088.4 (MANE Select); coding-DNA position 2215, C replaced by G.
Protein change: p.Pro739Ala; replaces proline 739 with alanine.
Molecular consequence: missense variant.
Genome position (GRCh38, 1-based): chr17:50,191,403, G>C on the plus strand (C>G on the coding strand, the complement: COL1A1 is on the minus strand). VCF-style: chr17-50191403-G-C. GRCh37 (hg19) VCF-style: chr17-48268764-G-C.
Other names: short protein forms P739A.
Identifiers: ClinVar variation 816651 (VCV000816651.2), dbSNP rs1282743605, ClinGen allele CA400210869.